The following is an entry in ClinVar:

NM_000260.4(MYO7A):c.5569T>C (p.Phe1857Leu)

Gene: MYO7A (myosin VIIA; plus strand). Cytogenetic location: 11q13.5.
Variant type: single nucleotide variant.
Coding change: c.5569T>C on transcript NM_000260.4 (MANE Select); coding-DNA position 5569, T replaced by C.
Protein change: p.Phe1857Leu; replaces phenylalanine 1857 with leucine.
Molecular consequence: missense variant.
Genome position (GRCh38, 1-based): chr11:77,205,550, T>C. VCF-style: chr11-77205550-T-C. GRCh37 (hg19) VCF-style: chr11-76916595-T-C.
Other names: c.5455T>C, p.Phe1819Leu (NM_001127180.2); c.5422T>C, p.Phe1808Leu (NM_001369365.1); short protein forms F1808L, F1819L, F1857L.
Identifiers: ClinVar variation 4082675 (VCV004082675.1).

ClinVar aggregate classification (germline): Uncertain significance (1 of 4 stars; one submission).

gnomAD v4.1: 1 of 1,612,228 alleles (0.000062%); highest among the groups gnomAD compares: Non-Finnish European, 0.000085%; no homozygotes.

Submission:

GeneDx
Classification: Uncertain significance. Last evaluated: 2025-03-03. Review status: criteria provided, single submitter. Criteria: GeneDx Variant Classification Process June 2021. Collection method: clinical testing. Allele origin: germline. Affected: yes.
Comment: Not observed at significant frequency in large population cohorts (gnomAD); In silico analysis supports that this missense variant has a deleterious effect on protein structure/function; Has not been previously published as pathogenic or benign to our knowledge